The following is an entry in ClinVar:

ClinVar aggregate classification (germline): Pathogenic (1 of 4 stars; one submission).

Conditions:
TH-deficient dopa-responsive dystonia. Also called: Segawa syndrome, autosomal recessive; Tyrosine Hydroxylase-Deficient Dopa-Responsive Dystonia; DYT-TH. Identifiers: Orphanet 101150, MedGen C2673535, MONDO:0011551, OMIM 605407.

Submission:

Myriad Genetics, Inc.
Classification: Pathogenic for TH-deficient dopa-responsive dystonia. Last evaluated: 2024-05-08. Review status: criteria provided, single submitter. Criteria: Myriad Autosomal Dominant, Autosomal Recessive and X-Linked Classification Criteria (2023). Collection method: clinical testing. Allele origin: unknown.
Comment: NM_199292.2(TH):c.774_777dupGGAG(I260Gfs*98) is expected to be pathogenic in the context of tyrosine hydroxylase deficiency. This variant is predicted to lead to an abnormal or absent protein product due to the creation of a premature termination codon in TH, a gene where loss-of-function variants are known to be pathogenic. Please note: this variant was assessed in the context of healthy population screening.

NM_000360.4(TH):c.681_684dup (p.Ile229fs)

Gene: TH (tyrosine hydroxylase; minus strand). Cytogenetic location: 11p15.5.
Variant type: Duplication.
Coding change: c.681_684dup on transcript NM_000360.4 (MANE Select); coding-DNA positions 681 to 684, 4 bases duplicated (GGAG; older notation c.681_684dupGGAG).
Protein change: p.Ile229fs; shifts the reading frame from isoleucine 229.
Molecular consequence: frameshift variant.
Genome position (GRCh38, 1-based): chr11:2,167,446-2,167,449, CTCC duplicated on the plus strand (GGAG on the coding strand, the reverse complement: TH is on the minus strand). VCF-style (leftmost placement, unchanged base first): chr11-2167445-T-TCTCC. GRCh37 (hg19) VCF-style: chr11-2188675-T-TCTCC.
Other names: c.693_696dup, p.Ile233fs (NM_001440535.1, NM_001440536.1); c.681_684dup, p.Ile229fs (NM_001440537.1); c.774_777dup, p.Ile260fs (NM_199292.3); c.762_765dup, p.Ile256fs (NM_199293.3); short protein forms I229fs, I233fs, I256fs, I260fs.
Identifiers: ClinVar variation 5013020 (VCV005013020.1).